The following is an entry in ClinVar:

NM_198075.4(LRRC56):c.177+4A>G

Gene: LRRC56 (leucine rich repeat containing 56; plus strand). Cytogenetic location: 11p15.5.
Variant type: single nucleotide variant.
Coding change: c.177+4A>G on transcript NM_198075.4 (MANE Select); 4 bases into the intron after coding-DNA position 177, A replaced by G.
Molecular consequence: intron variant.
Genome position (GRCh38, 1-based): chr11:540,865, A>G. VCF-style: chr11-540865-A-G. GRCh37 (hg19) VCF-style: chr11-540865-A-G.
Identifiers: ClinVar variation 2103589 (VCV002103589.4), dbSNP rs114689581, ClinGen allele CA2580083998.

ClinVar aggregate classification (germline): Uncertain significance (1 of 4 stars; one submission).

Submission:

Labcorp Genetics (formerly Invitae), Labcorp
Classification: Uncertain significance. Last evaluated: 2022-08-23. Review status: criteria provided, single submitter. Criteria: Invitae Variant Classification Sherloc (09022015). Collection method: clinical testing. Allele origin: germline.
Comment: This variant is not present in population databases (gnomAD no frequency). This sequence change falls in intron 4 of the LRRC56 gene. It does not directly change the encoded amino acid sequence of the LRRC56 protein. It affects a nucleotide within the consensus splice site. This variant has not been reported in the literature in individuals affected with LRRC56-related conditions. In summary, the available evidence is currently insufficient to determine the role of this variant in disease. Therefore, it has been classified as a Variant of Uncertain Significance. Variants that disrupt the consensus splice site are a relatively common cause of aberrant splicing (PMID: 17576681, 9536098). Algorithms developed to predict the effect of sequence changes on RNA splicing suggest that this variant may disrupt the consensus splice site.

Literature cited by the submitters: PubMed 17576681; PubMed 9536098.